The following is an entry in ClinVar:

ClinVar aggregate classification (germline): Uncertain significance (1 of 4 stars; one submission).

Submission:

Ambry Genetics
Classification: Uncertain significance. Last evaluated: 2025-10-22. Review status: criteria provided, single submitter. Criteria: Ambry Variant Classification Scheme 2023. Collection method: clinical testing. Allele origin: germline.
Comment: The p.P974Q variant (also known as c.2921C>A), located in coding exon 10 of the CDK12 gene, results from a C to A substitution at nucleotide position 2921. The proline at codon 974 is replaced by glutamine, an amino acid with similar properties. This amino acid position is conserved. In addition, this alteration is predicted to be tolerated by in silico analysis. Based on the available evidence, the clinical significance of this variant remains unclear.

NM_016507.4(CDK12):c.2921C>A (p.Pro974Gln)

Gene: CDK12 (cyclin dependent kinase 12; plus strand). Cytogenetic location: 17q12.
Variant type: single nucleotide variant.
Coding change: c.2921C>A on transcript NM_016507.4 (MANE Select); coding-DNA position 2921, C replaced by A.
Protein change: p.Pro974Gln; replaces proline 974 with glutamine.
Molecular consequence: missense variant.
Genome position (GRCh38, 1-based): chr17:39,517,514, C>A. VCF-style: chr17-39517514-C-A. GRCh37 (hg19) VCF-style: chr17-37673767-C-A.
Other names: c.2921C>A, p.Pro974Gln (NM_015083.4); short protein forms P974Q.
Identifiers: ClinVar variation 4651390 (VCV004651390.1).